The following is an entry in ClinVar:

ClinVar aggregate classification (germline): Conflicting classifications of pathogenicity. Review status: criteria provided, conflicting classifications (1 of 4 stars). 3 submissions from 3 submitters: Uncertain significance (2); Likely benign (1). Last evaluated 2026-08-22.

Allele frequency attached by ClinVar (database versions not stated): TOPMed 0.00040; ESP Exome Variant Server 0.00046; ExAC 0.00059; 1000 Genomes Project 0.00060; 1000 Genomes Project 30x 0.00062; gnomAD 0.00078.
gnomAD v4.1: 1,522 of 1,614,134 alleles (0.094%); highest among the groups gnomAD compares: Non-Finnish European, 0.098%; 3 homozygotes.

Submissions (3):

GeneDx
Classification: Uncertain significance. Last evaluated: 2026-08-22. Review status: criteria provided, single submitter. Criteria: GeneDx Variant Classification Process June 2021. Collection method: clinical testing. Allele origin: germline.
Comment: In silico analysis supports that this missense variant has a deleterious effect on protein structure/function; Has not been previously published as pathogenic or benign to our knowledge

Labcorp Genetics (formerly Invitae), Labcorp
Classification: Likely benign. Last evaluated: 2026-01-05. Review status: criteria provided, single submitter. Criteria: Invitae Variant Classification Sherloc (09022015). Collection method: clinical testing. Allele origin: germline.

Blueprint Genetics
Classification: Uncertain significance. Last evaluated: 2024-11-13. Review status: criteria provided, single submitter. Criteria: ACMG Guidelines, 2015. Collection method: clinical testing. Allele origin: germline.

NM_001042646.3(TRAK1):c.620A>G (p.Tyr207Cys)

Gene: TRAK1 (trafficking kinesin protein 1; plus strand). Cytogenetic location: 3p22.1.
Variant type: single nucleotide variant.
Coding change: c.620A>G on transcript NM_001042646.3 (MANE Select); coding-DNA position 620, A replaced by G.
Protein change: p.Tyr207Cys; replaces tyrosine 207 with cysteine.
Molecular consequence: missense variant. On other transcripts: non-coding transcript variant (1).
Genome position (GRCh38, 1-based): chr3:42,189,054, A>G. VCF-style: chr3-42189054-A-G. GRCh37 (hg19) VCF-style: chr3-42230546-A-G.
Other names: c.620A>G, p.Tyr207Cys (NM_001265608.2, NM_001349246.2, NM_001349247.2); c.398A>G, p.Tyr133Cys (NM_001265609.2, NM_001265610.1, NM_001349248.1 and 1 more transcripts); c.308A>G, p.Tyr103Cys (NM_001349245.1); c.446A>G, p.Tyr149Cys (NM_001410741.1, NM_014965.5); short protein forms Y103C, Y133C, Y149C, Y207C.
Identifiers: ClinVar variation 1723598 (VCV001723598.7), dbSNP rs145279682, ClinGen allele CA2333189.